The following is an entry in ClinVar:

ClinVar aggregate classification (germline): Uncertain significance (1 of 4 stars; one submission).

Submission:

Labcorp Genetics (formerly Invitae), Labcorp
Classification: Uncertain significance. Last evaluated: 2024-08-12. Review status: criteria provided, single submitter. Criteria: Invitae Variant Classification Sherloc (09022015). Collection method: clinical testing. Allele origin: germline.
Comment: This sequence change replaces serine, which is neutral and polar, with cysteine, which is neutral and slightly polar, at codon 54 of the AGPS protein (p.Ser54Cys). This variant is not present in population databases (gnomAD no frequency). This variant has not been reported in the literature in individuals affected with AGPS-related conditions. ClinVar contains an entry for this variant (Variation ID: 1996887). An algorithm developed to predict the effect of missense changes on protein structure and function (PolyPhen-2) suggests that this variant is likely to be tolerated. In summary, the available evidence is currently insufficient to determine the role of this variant in disease. Therefore, it has been classified as a Variant of Uncertain Significance.

NM_003659.4(AGPS):c.160A>T (p.Ser54Cys)

Genes: AGPS (alkylglycerone phosphate synthase; plus strand), LOC129935172 (ATAC-STARR-seq lymphoblastoid silent region 12147; plus strand). Cytogenetic location: 2q31.2.
Variant type: single nucleotide variant.
Coding change: c.160A>T on transcript NM_003659.4 (MANE Select); coding-DNA position 160, A replaced by T.
Protein change: p.Ser54Cys; replaces serine 54 with cysteine.
Molecular consequence: missense variant.
Genome position (GRCh38, 1-based): chr2:177,392,949, A>T. VCF-style: chr2-177392949-A-T. GRCh37 (hg19) VCF-style: chr2-178257677-A-T.
Other names: short protein forms S54C.
Identifiers: ClinVar variation 1996887 (VCV001996887.4), dbSNP rs1462668353, ClinGen allele CA349700670.